The following is an entry in ClinVar:

NM_001272071.2(AP1S2):c.239_250del (p.Leu80_Ile83del)

Gene: AP1S2 (adaptor related protein complex 1 subunit sigma 2; minus strand). Cytogenetic location: Xp22.2.
Variant type: Deletion.
Coding change: c.239_250del on transcript NM_001272071.2 (MANE Select); coding-DNA positions 239 to 250, 12 bases deleted (TGGAAATAATTC).
Protein change: p.Leu80_Ile83del.
Molecular consequence: inframe deletion. On other transcripts: non-coding transcript variant (2).
Genome position (GRCh38, 1-based): chrX:15,845,941-15,845,952, GAATTATTTCCA deleted on the plus strand (TGGAAATAATTC on the coding strand, the reverse complement: AP1S2 is on the minus strand); deleting any 12 consecutive bases within chrX:15,845,941-15,845,953 gives the same sequence; the c. name uses the placement nearest the transcript's 3' end. VCF-style (leftmost placement, unchanged base first): chrX-15845940-TGAATTATTTCCA-T. GRCh37 (hg19) VCF-style: chrX-15864063-TGAATTATTTCCA-T.
Other names: c.239_250del, p.Leu80_Ile83del (NM_001368994.1, NM_001369007.1, NM_001369008.1 and 1 more transcripts).
Identifiers: ClinVar variation 2633205 (VCV002633205.1), dbSNP rs2519915876, ClinGen allele CA2695200157.

ClinVar aggregate classification (germline): Uncertain significance (1 of 4 stars; one submission).

Conditions:
AP1S2-related disorder. Also called: AP1S2-related condition.

Submission:

PreventionGenetics, part of Exact Sciences
Classification: Uncertain significance for AP1S2-related condition. Last evaluated: 2023-05-08. Review status: criteria provided, single submitter. Criteria: ACMG Guidelines, 2015. Collection method: clinical testing. Allele origin: germline.
Comment: The AP1S2 c.239_250del12 variant is predicted to result in an in-frame deletion (p.Leu80_Ile83del). To our knowledge, this variant has not been reported in the literature or in a large population database, indicating this variant is rare. At this time, the clinical significance of this variant is uncertain due to the absence of conclusive functional and genetic evidence.